The following is an entry in ClinVar:

ClinVar aggregate classification (germline): Likely pathogenic. Review status: criteria provided, multiple submitters, no conflicts (2 of 4 stars). 3 submissions from 3 submitters: Likely pathogenic (3). Last evaluated 2024-09-25.

Conditions:
Congenital adrenal insufficiency with 46, XY sex reversal OR 46,XY disorder of sex development-adrenal insufficiency due to CYP11A1 deficiency. Also called: P450scc DEFICIENCY; Congenital adrenal insuffiency with 46, XY sex reversal OR 46,XY disorder of sex development-adrenal insufficiency due to CYP11A1 deficiency. Identifiers: Orphanet 168558, MedGen C3151055, MONDO:0013400, OMIM 613743.

Allele frequency attached by ClinVar (database versions not stated): gnomAD 0.00001 and 0.00002; gnomAD exomes 0.00001; TOPMed 0.00002.
gnomAD v4.1: 6 of 1,612,802 alleles (0.00037%); highest among the groups gnomAD compares: Admixed American, 0.01%; no homozygotes.

Submissions (3):

Women's Health and Genetics/Laboratory Corporation of America, LabCorp
Classification: Likely pathogenic for Congenital adrenal insufficiency with 46, XY sex reversal OR 46,XY disorder of sex development-adrenal insufficiency due to CYP11A1 deficiency. Last evaluated: 2024-09-25. Review status: criteria provided, single submitter. Criteria: LabCorp Variant Classification Summary - May 2015. Collection method: clinical testing. Allele origin: germline.
Comment: Variant summary: CYP11A1 c.806C>T (p.Ala269Val) results in a non-conservative amino acid change in the encoded protein sequence. Five of five in-silico tools predict a damaging effect of the variant on protein function. The variant allele was found at a frequency of 1.2e-05 in 251422 control chromosomes. c.806C>T has been reported in the literature in two compound heterozygous individuals affected with Adrenal Insufficiency, Congenital, With 46XY Sex Reversal, Partial Or Complete (Sahakitrungruang_2011). These data indicate that the variant may be associated with disease. At least one publication reports experimental evidence evaluating an impact on protein function. The most pronounced variant effect results in only 12% of normal activity in an in intro assay (Sahakitrungruang_2011, Tee_2013). The following publications have been ascertained in the context of this evaluation (PMID: 21159840, 23337730). ClinVar contains an entry for this variant (Variation ID: 1481573). Based on the evidence outlined above, the variant was classified as likely pathogenic.

Labcorp Genetics (formerly Invitae), Labcorp
Classification: Likely pathogenic. Last evaluated: 2024-05-01. Review status: criteria provided, single submitter. Criteria: Invitae Variant Classification Sherloc (09022015). Collection method: clinical testing. Allele origin: germline.
Comment: This sequence change replaces alanine, which is neutral and non-polar, with valine, which is neutral and non-polar, at codon 269 of the CYP11A1 protein (p.Ala269Val). This variant is present in population databases (no rsID available, gnomAD 0.009%). This missense change has been observed in individual(s) with nonclassic congenital lipoid adrenal hyperplasia (PMID: 21159840). In at least one individual the data is consistent with being in trans (on the opposite chromosome) from a pathogenic variant. It has also been observed to segregate with disease in related individuals. ClinVar contains an entry for this variant (Variation ID: 1481573). Advanced modeling of protein sequence and biophysical properties (such as structural, functional, and spatial information, amino acid conservation, physicochemical variation, residue mobility, and thermodynamic stability) performed at Invitae indicates that this missense variant is not expected to disrupt CYP11A1 protein function with a negative predictive value of 95%. Experimental studies have shown that this missense change affects CYP11A1 function (PMID: 21159840). In summary, the currently available evidence indicates that the variant is pathogenic, but additional data are needed to prove that conclusively. Therefore, this variant has been classified as Likely Pathogenic.

Fulgent Genetics
Classification: Likely pathogenic for Congenital adrenal insufficiency with 46, XY sex reversal OR 46,XY disorder of sex development-adrenal insufficiency due to CYP11A1 deficiency. Last evaluated: 2024-01-04. Review status: criteria provided, single submitter. Criteria: ACMG Guidelines, 2015. Collection method: clinical testing. Allele origin: germline.

Literature cited by the submitters: PubMed 21159840 (cited by Women's Health and Genetics/Laboratory Corporation of America, LabCorp and Labcorp Genetics (formerly Invitae), Labcorp); PubMed 23337730 (cited by Women's Health and Genetics/Laboratory Corporation of America, LabCorp).

NM_000781.3(CYP11A1):c.806C>T (p.Ala269Val)

Gene: CYP11A1 (cytochrome P450 family 11 subfamily A member 1; minus strand). Cytogenetic location: 15q24.1.
Variant type: single nucleotide variant.
Coding change: c.806C>T on transcript NM_000781.3 (MANE Select); coding-DNA position 806, C replaced by T.
Protein change: p.Ala269Val; replaces alanine 269 with valine.
Molecular consequence: missense variant.
Genome position (GRCh38, 1-based): chr15:74,343,812, G>A on the plus strand (C>T on the coding strand, the complement: CYP11A1 is on the minus strand). VCF-style: chr15-74343812-G-A. GRCh37 (hg19) VCF-style: chr15-74636153-G-A.
Other names: c.332C>T, p.Ala111Val (NM_001099773.2); short protein forms A111V, A269V.
Identifiers: ClinVar variation 1481573 (VCV001481573.8), dbSNP rs1021942880, ClinGen allele CA272793124.